The following is an entry in ClinVar:

NM_000091.5(COL4A3):c.2425T>G (p.Cys809Gly)

Genes: COL4A3 (collagen type IV alpha 3 chain; plus strand), MFF-DT (MFF divergent transcript; minus strand). Cytogenetic location: 2q36.3.
Variant type: single nucleotide variant.
Coding change: c.2425T>G on transcript NM_000091.5 (MANE Select); coding-DNA position 2425, T replaced by G.
Protein change: p.Cys809Gly; replaces cysteine 809 with glycine.
Molecular consequence: missense variant.
Genome position (GRCh38, 1-based): chr2:227,280,943, T>G. VCF-style: chr2-227280943-T-G. GRCh37 (hg19) VCF-style: chr2-228145659-T-G.
Other names: short protein forms C809G.
Identifiers: ClinVar variation 3367508 (VCV003367508.3).

ClinVar aggregate classification (germline): Uncertain significance. Review status: criteria provided, multiple submitters, no conflicts (2 of 4 stars). 2 submissions from 2 submitters: Uncertain significance (2). Last evaluated 2025-09-22.

gnomAD v4.1: 1 of 1,567,654 alleles (0.000064%); highest among the groups gnomAD compares: Admixed American, 0.0019%; no homozygotes.

Submissions (2):

Labcorp Genetics (formerly Invitae), Labcorp
Classification: Uncertain significance. Last evaluated: 2025-09-22. Review status: criteria provided, single submitter. Criteria: Invitae Variant Classification Sherloc (09022015). Collection method: clinical testing. Allele origin: germline.
Comment: This sequence change replaces cysteine, which is neutral and slightly polar, with glycine, which is neutral and non-polar, at codon 809 of the COL4A3 protein (p.Cys809Gly). This variant is present in population databases (no rsID available, gnomAD 0.004%). This variant has not been reported in the literature in individuals affected with COL4A3-related conditions. ClinVar contains an entry for this variant (Variation ID: 3367508). Invitae Evidence Modeling of protein sequence and biophysical properties (such as structural, functional, and spatial information, amino acid conservation, physicochemical variation, residue mobility, and thermodynamic stability) has been performed for this missense variant. However, the output from this modeling did not meet the statistical confidence thresholds required to predict the impact of this variant on COL4A3 protein function. In summary, the available evidence is currently insufficient to determine the role of this variant in disease. Therefore, it has been classified as a Variant of Uncertain Significance.

GeneDx
Classification: Uncertain significance. Last evaluated: 2024-01-04. Review status: criteria provided, single submitter. Criteria: GeneDx Variant Classification Process June 2021. Collection method: clinical testing. Allele origin: germline. Affected: yes.
Comment: Not observed at significant frequency in large population cohorts (gnomAD); In silico analysis supports that this missense variant does not alter protein structure/function; Has not been previously published as pathogenic or benign to our knowledge